The following is an entry in ClinVar:

NM_001101.5(ACTB):c.366C>T (p.Ile122=)

Gene: ACTB (actin beta; minus strand). Cytogenetic location: 7p22.1.
Variant type: single nucleotide variant.
Coding change: c.366C>T on transcript NM_001101.5 (MANE Select); coding-DNA position 366, C replaced by T.
Protein change: p.Ile122=; no amino-acid change (isoleucine 122 retained).
Molecular consequence: synonymous variant.
Genome position (GRCh38, 1-based): chr7:5,528,717, G>A on the plus strand (C>T on the coding strand, the complement: ACTB is on the minus strand). VCF-style: chr7-5528717-G-A. GRCh37 (hg19) VCF-style: chr7-5568348-G-A.
Identifiers: ClinVar variation 2021584 (VCV002021584.6), dbSNP rs1584262227, ClinGen allele CA453639344.

ClinVar aggregate classification (germline): Likely benign. Review status: criteria provided, multiple submitters, no conflicts (2 of 4 stars). 3 submissions from 3 submitters: Likely benign (2). 1 of the submissions does not count toward it. Last evaluated 2023-12-22.

Conditions:
ACTB-related disorder. Also called: ACTB-related condition; ACTB-related disorders.
Baraitser-Winter syndrome 1 (BRWS1). Also called: PACHYGYRIA, MENTAL RETARDATION, EPILEPSY, AND CHARACTERISTIC FACIES; MENTAL RETARDATION WITH EPILEPSY AND CHARACTERISTIC FACIES; Cerebrofrontofacial syndrome; BARAITSER-WINTER SYNDROME 1, ATYPICAL. Identifiers: Orphanet 2649, Orphanet 2995, MedGen C1855722, MONDO:0009470, OMIM 243310.

gnomAD v4.1: 1 of 1,613,620 alleles (0.000062%); no homozygotes.

Submissions (3):

Labcorp Genetics (formerly Invitae), Labcorp
Classification: Likely benign for Baraitser-Winter syndrome 1. Last evaluated: 2023-12-22. Review status: criteria provided, single submitter. Criteria: Invitae Variant Classification Sherloc (09022015). Collection method: clinical testing. Allele origin: germline.

Blueprint Genetics
Classification: Likely benign. Last evaluated: 2021-08-19. Review status: criteria provided, single submitter. Criteria: ACMG Guidelines, 2015. Collection method: clinical testing. Allele origin: germline.

PreventionGenetics, part of Exact Sciences
Classification: Likely benign for ACTB-related condition. Last evaluated: 2022-05-17. Review status: no assertion criteria provided. Collection method: clinical testing. Allele origin: germline. Not counted in ClinVar's aggregate classification.
Comment: This variant is classified as likely benign based on ACMG/AMP sequence variant interpretation guidelines (Richards et al. 2015 PMID: 25741868, with internal and published modifications).